The following is an entry in ClinVar:

ClinVar aggregate classification (germline): Uncertain significance. Review status: criteria provided, multiple submitters, no conflicts (2 of 4 stars). 2 submissions from 2 submitters: Uncertain significance (2). Last evaluated 2024-10-02.

Conditions:
Inborn genetic diseases. Identifiers: MedGen C0950123, MeSH D030342.

Allele frequency attached by ClinVar (database versions not stated): TOPMed 0.00004; gnomAD 0.00007; ESP Exome Variant Server 0.00008.
gnomAD v4.1: 19 of 1,613,980 alleles (0.0012%); highest among the groups gnomAD compares: Admixed American, 0.0033%; no homozygotes.

Submissions (2):

Labcorp Genetics (formerly Invitae), Labcorp
Classification: Uncertain significance. Last evaluated: 2024-10-02. Review status: criteria provided, single submitter. Criteria: Invitae Variant Classification Sherloc (09022015). Collection method: clinical testing. Allele origin: germline.
Comment: This sequence change replaces valine, which is neutral and non-polar, with isoleucine, which is neutral and non-polar, at codon 166 of the FECH protein (p.Val166Ile). This variant is present in population databases (rs377078701, gnomAD 0.003%). This variant has not been reported in the literature in individuals affected with FECH-related conditions. ClinVar contains an entry for this variant (Variation ID: 2224498). Invitae Evidence Modeling of protein sequence and biophysical properties (such as structural, functional, and spatial information, amino acid conservation, physicochemical variation, residue mobility, and thermodynamic stability) indicates that this missense variant is not expected to disrupt FECH protein function with a negative predictive value of 80%. In summary, the available evidence is currently insufficient to determine the role of this variant in disease. Therefore, it has been classified as a Variant of Uncertain Significance.

Ambry Genetics
Classification: Uncertain significance for Inborn genetic diseases. Last evaluated: 2021-08-02. Review status: criteria provided, single submitter. Criteria: Ambry Variant Classification Scheme 2023. Collection method: clinical testing. Allele origin: germline.

NM_000140.5(FECH):c.496G>A (p.Val166Ile)

Gene: FECH (ferrochelatase; minus strand). Cytogenetic location: 18q21.31.
Variant type: single nucleotide variant.
Coding change: c.496G>A on transcript NM_000140.5 (MANE Select); coding-DNA position 496, G replaced by A.
Protein change: p.Val166Ile; replaces valine 166 with isoleucine.
Molecular consequence: missense variant.
Genome position (GRCh38, 1-based): chr18:57,566,549, C>T on the plus strand (G>A on the coding strand, the complement: FECH is on the minus strand). VCF-style: chr18-57566549-C-T. GRCh37 (hg19) VCF-style: chr18-55233781-C-T.
Other names: c.514G>A, p.Val172Ile (NM_001012515.4); c.496G>A, p.Val166Ile (NM_001371094.1, NM_001374778.1); c.280G>A, p.Val94Ile (NM_001371095.1); short protein forms V166I, V172I, V94I.
Identifiers: ClinVar variation 2224498 (VCV002224498.4), dbSNP rs377078701, ClinGen allele CA8973176.